The following is an entry in ClinVar:

ClinVar aggregate classification (germline): Uncertain significance (1 of 4 stars; one submission).

Conditions:
Charlevoix-Saguenay spastic ataxia (SACS). Also called: AUTOSOMAL RECESSIVE SPASTIC ATAXIA OF CHARLEVOIX-SAGUENAY; Spastic ataxia of Charlevoix-Saguenay; SPASTIC ATAXIA 6, AUTOSOMAL RECESSIVE. Identifiers: Orphanet 98, MedGen C1849140, MONDO:0010041, OMIM 270550.

Submission:

Myriad Genetics, Inc.
Classification: Uncertain significance for Charlevoix-Saguenay spastic ataxia. Last evaluated: 2026-02-09. Review status: criteria provided, single submitter. Criteria: Myriad Autosomal Dominant, Autosomal Recessive and X-Linked Classification Criteria (2023). Collection method: clinical testing. Allele origin: unknown.
Comment: NM_014363.4(SACS):c.13394_13396delTTC(L4465del) is an in-frame deletion classified as a variant of uncertain significance in the context of autosomal recessive spastic ataxia of Charlevoix-Saguenay. L4465del has not been observed in cases with relevant disease. Relevant functional assessments of this variant are not available in the literature. L4465del has not been observed in referenced population frequency databases. In summary, there is insufficient evidence to classify NM_014363.4(SACS):c.13394_13396delTTC(L4465del) as pathogenic or benign. Please note: this variant was assessed in the context of healthy population screening.

NM_014363.6(SACS):c.13394_13396del (p.Leu4465del)

Gene: SACS (sacsin molecular chaperone; minus strand). Cytogenetic location: 13q12.12.
Variant type: Deletion.
Coding change: c.13394_13396del on transcript NM_014363.6 (MANE Select); coding-DNA positions 13394 to 13396, 3 bases deleted (TTC; older notation c.13394_13396delTTC).
Protein change: p.Leu4465del; deletes leucine 4465.
Molecular consequence: inframe deletion.
Genome position (GRCh38, 1-based): chr13:23,330,480-23,330,482, GAA deleted on the plus strand (TTC on the coding strand, the reverse complement: SACS is on the minus strand); deleting any 3 consecutive bases within chr13:23,330,480-23,330,483 gives the same sequence; the c. name uses the placement nearest the transcript's 3' end. VCF-style (leftmost placement, unchanged base first): chr13-23330479-TGAA-T. GRCh37 (hg19) VCF-style: chr13-23904618-TGAA-T.
Other names: c.12953_12955del, p.Leu4318del (NM_001278055.2); c.13421_13423del, p.Leu4474del (NM_001437336.1); short protein forms L4318del, L4465del, L4474del.
Identifiers: ClinVar variation 5004455 (VCV005004455.1).